The following is an entry in ClinVar:

NM_000553.6(WRN):c.1271A>G (p.His424Arg)

Gene: WRN (WRN RecQ like helicase; plus strand). Cytogenetic location: 8p12.
Variant type: single nucleotide variant.
Coding change: c.1271A>G on transcript NM_000553.6 (MANE Select); coding-DNA position 1271, A replaced by G.
Protein change: p.His424Arg; replaces histidine 424 with arginine.
Molecular consequence: missense variant.
Genome position (GRCh38, 1-based): chr8:31,083,700, A>G. VCF-style: chr8-31083700-A-G. GRCh37 (hg19) VCF-style: chr8-30941216-A-G.
Other names: short protein forms H424R.
Identifiers: ClinVar variation 404003 (VCV000404003.4), dbSNP rs1060500066, ClinGen allele CA16612589.

ClinVar aggregate classification (germline): Uncertain significance (1 of 4 stars; one submission).

Conditions:
Werner syndrome (WRN). Identifiers: Orphanet 902, MedGen C0043119, MONDO:0010196, OMIM 277700.

Submission:

Labcorp Genetics (formerly Invitae), Labcorp
Classification: Uncertain significance for Werner syndrome. Last evaluated: 2024-04-29. Review status: criteria provided, single submitter. Criteria: Invitae Variant Classification Sherloc (09022015). Collection method: clinical testing. Allele origin: germline.
Comment: This sequence change replaces histidine, which is basic and polar, with arginine, which is basic and polar, at codon 424 of the WRN protein (p.His424Arg). This variant is not present in population databases (gnomAD no frequency). This variant has not been reported in the literature in individuals affected with WRN-related conditions. ClinVar contains an entry for this variant (Variation ID: 404003). An algorithm developed to predict the effect of missense changes on protein structure and function (PolyPhen-2) suggests that this variant is likely to be tolerated. In summary, the available evidence is currently insufficient to determine the role of this variant in disease. Therefore, it has been classified as a Variant of Uncertain Significance.